The following is an entry in ClinVar:

ClinVar aggregate classification (germline): Uncertain significance (1 of 4 stars; one submission).

gnomAD v4.1: 1 of 152,144 alleles (0.00066%); highest among the groups gnomAD compares: African/African-American, 0.0024%; no homozygotes.

Submission:

Institute for Human Genetics, University Hospital Essen
Classification: Uncertain significance. Last evaluated: 2025-11-27. Review status: criteria provided, single submitter. Criteria: Submitter's publication. Collection method: clinical testing. Allele origin: inherited. Inheritance: Autosomal unknown. Affected: yes. Observed: 1 variant allele, 1 compound heterozygote.
Comment: PM2_supp, PM1_supp, PM3 (criteria rationale detailed in Leitão et al. Nature Genetics 2026)

NR_199791.1(RNU2-2):n.63G>C

Genes: RNU2-2 (RNA, U2 small nuclear 2; minus strand), WDR74 (WD repeat domain 74; minus strand). Cytogenetic location: 11q12.3.
Variant type: single nucleotide variant.
Molecular consequence: non-coding transcript variant (on NR_199791.1). On other transcripts: 5 prime UTR variant (1).
Genome position: GRCh38 VCF-style: chr11-62841747-C-G. GRCh37 (hg19) VCF-style: chr11-62609219-C-G.
Other names: c.-476G>C (NM_001369451.1).
Identifiers: ClinVar variation 4540487 (VCV004540487.1).